The following is an entry in ClinVar:

NM_022051.3(EGLN1):c.1217-3C>T

Gene: EGLN1 (egl-9 family hypoxia inducible factor 1; minus strand). Cytogenetic location: 1q42.2.
Variant type: single nucleotide variant.
Coding change: c.1217-3C>T on transcript NM_022051.3 (MANE Select); 3 bases into the intron before coding-DNA position 1217, C replaced by T.
Molecular consequence: intron variant.
Genome position (GRCh38, 1-based): chr1:231,366,478, G>A on the plus strand (C>T on the coding strand, the complement: EGLN1 is on the minus strand). VCF-style: chr1-231366478-G-A. GRCh37 (hg19) VCF-style: chr1-231502224-G-A.
Other names: c.*42-3C>T (NM_001377261.1); c.1149-3C>T (NM_001377260.1).
Identifiers: ClinVar variation 4663402 (VCV004663402.1).

ClinVar aggregate classification (germline): Uncertain significance (1 of 4 stars; one submission).

Submission:

Ambry Genetics
Classification: Uncertain significance. Last evaluated: 2025-09-15. Review status: criteria provided, single submitter. Criteria: Ambry Variant Classification Scheme 2023. Collection method: clinical testing. Allele origin: germline.
Comment: The c.1217-3C>T intronic variant results from a C to T substitution 3 nucleotides upstream from coding exon 5 in the EGLN1 gene. This nucleotide position is highly conserved in available vertebrate species. In silico splice site analysis predicts that this alteration will not have any significant effect on splicing. The evidence for this gene-disease relationship is limited; therefore, the clinical significance of this alteration is unclear.